The following is an entry in ClinVar:

ClinVar aggregate classification (germline): Likely pathogenic. Review status: reviewed by expert panel (3 of 4 stars). 3 submissions from 3 submitters: Likely pathogenic (1). 2 of the submissions do not count toward it. Last evaluated 2024-08-30.

Conditions:
Pitt-Hopkins syndrome (PTHS). Also called: ENCEPHALOPATHY, SEVERE EPILEPTIC, WITH AUTONOMIC DYSFUNCTION; MENTAL RETARDATION, SYNDROMAL, WITH INTERMITTENT HYPERVENTILATION. Identifiers: Orphanet 2896, MedGen C1970431, MONDO:0012589, OMIM 610954.

Allele frequency attached by ClinVar (database versions not stated): ExAC 0.00001; gnomAD exomes below 0.00001.
gnomAD v4.1: 1 of 1,614,116 alleles (0.000062%); highest among the groups gnomAD compares: Non-Finnish European, 0.000085%; no homozygotes.

Submissions (3):

ClinGen Rett and Angelman-like Disorders Variant Curation Expert Panel
Classification: Likely pathogenic for Pitt-Hopkins syndrome. Last evaluated: 2024-08-30. Review status: reviewed by expert panel. Criteria: ClinGen RettAS ACMG Specifications TCF4 V3.0.0. Collection method: curation. Allele origin: germline. Inheritance: Autosomal dominant inheritance.
Comment: The p.Gly592Ser variant in TCF4 has been reported as a de novo occurrence (biological parentage confirmed) in an individual with a neurodevelopmental disorder (internal database - GeneDx) (PS2). The p.Gly592Ser variant occurs in the well-characterized Basic Helix-Loop-Helix domain (bHLH) (aa 564-617) functional domain of the TCF4 (PM1). The variant has been reported to segregate in three informative meioses (internal database - GeneDx) with limited clinical information provided (PP1). The highest population minor allele frequency of the p.Gly592Ser variant in TCF4 in gnomAD v4.1 is 8.474e-7 (1/1180018 alleles) in European (non-Finnish) population (not sufficient to meet BS1 criteria). Of note, this variant was observed once in gnomAD v4.1. In summary, the p.Gly592Ser variant in TCF4 is classified as likely pathogenic for Pitt-Hopkins syndrome based on the ACMG/AMP criteria (PS2, PM1, PP1). (TCF4 specification v.3; approved on 8/30/2024)

GeneDx
Classification: Likely pathogenic. Last evaluated: 2023-11-06. Review status: criteria provided, single submitter. Criteria: GeneDx Variant Classification Process June 2021. Collection method: clinical testing. Allele origin: germline. Affected: yes. Not counted in ClinVar's aggregate classification.
Comment: In silico analysis supports that this missense variant has a deleterious effect on protein structure/function; Has not been previously published as pathogenic or benign to our knowledge

Eurofins Ntd Llc (ga)
Classification: Uncertain significance. Last evaluated: 2018-07-25. Review status: criteria provided, single submitter. Criteria: EGL ClinVar v180209 classification definitions. Collection method: clinical testing. Allele origin: germline. Observed: 1 variant allele, 1 heterozygote. Not counted in ClinVar's aggregate classification.

NM_001083962.2(TCF4):c.1774G>A (p.Gly592Ser)

Gene: TCF4 (transcription factor 4; minus strand). Cytogenetic location: 18q21.2.
Variant type: single nucleotide variant.
Coding change: c.1774G>A on transcript NM_001083962.2 (MANE Select); coding-DNA position 1774, G replaced by A.
Protein change: p.Gly592Ser; replaces glycine 592 with serine.
Molecular consequence: missense variant.
Genome position (GRCh38, 1-based): chr18:55,228,952, C>T on the plus strand (G>A on the coding strand, the complement: TCF4 is on the minus strand). VCF-style: chr18-55228952-C-T. GRCh37 (hg19) VCF-style: chr18-52896183-C-T.
Other names: NM_001083962.2(TCF4):c.1774G>A; p.Gly592Ser; c.2080G>A, p.Gly694Ser (NM_001243226.3); c.1702G>A, p.Gly568Ser (NM_001243227.2, NM_001348217.1, NM_001348218.2 and 1 more transcripts); c.1792G>A, p.Gly598Ser (NM_001243228.2); c.1753G>A, p.Gly585Ser (NM_001243230.2); c.1636G>A, p.Gly546Ser (NM_001243231.2); c.1561G>A, p.Gly521Ser (NM_001243232.1); and 17 more; short protein forms G592S, G427S, G428S, G462S, G521S, G567S, G585S, G376S.
Identifiers: ClinVar variation 598113 (VCV000598113.6), dbSNP rs751190049, ClinGen allele CA8970151.